The following is an entry in ClinVar:

NM_001378454.1(ALMS1):c.9633G>A (p.Lys3211=)

Gene: ALMS1 (ALMS1 centrosome and basal body associated protein; plus strand). Cytogenetic location: 2p13.1.
Variant type: single nucleotide variant.
Coding change: c.9633G>A on transcript NM_001378454.1 (MANE Select); coding-DNA position 9633, G replaced by A.
Protein change: p.Lys3211=; no amino-acid change (lysine 3211 retained).
Molecular consequence: synonymous variant.
Genome position (GRCh38, 1-based): chr2:73,519,868, G>A. VCF-style: chr2-73519868-G-A. GRCh37 (hg19) VCF-style: chr2-73746995-G-A.
Other names: c.9636G>A, p.Lys3212= (NM_015120.4).
Identifiers: ClinVar variation 510092 (VCV000510092.44), dbSNP rs373013570, ClinGen allele CA1714722.
Genomic context (GRCh38, chr2:73,519,868, plus strand): 5'-TTTCTCTGAAAAATTGTCATCTGATGCAGTCACTCAGATAACAACAGAAAGTCCAGAAAA[G>A]ACCCTATTTTCATCTGAGATTTTTATTAATGCTGAAGATCGTGGACATGAAATTATAGAG-3'
Protein context (NP_001365383.1, residues 3201-3221): VTQITTESPE[Lys3211=]TLFSSEIFIN

ClinVar aggregate classification (germline): Likely benign. Review status: criteria provided, multiple submitters, no conflicts (2 of 4 stars). 8 submissions from 8 submitters: Likely benign (8). Last evaluated 2026-01-26.

Conditions:
Cardiovascular phenotype. Identifiers: MedGen CN230736.
Alstrom syndrome (ALMS). Identifiers: Orphanet 64, MedGen C0268425, MONDO:0008763, OMIM 203800.

Allele frequency attached by ClinVar (database versions not stated): ESP Exome Variant Server 0.00008; gnomAD 0.00014; ExAC 0.00015; gnomAD exomes 0.00020; TOPMed 0.00025; 1000 Genomes Project 30x 0.00031.
gnomAD v4.1: 187 of 1,614,046 alleles (0.012%); highest among the groups gnomAD compares: Admixed American, 0.092%; no homozygotes.

Submissions (8):

Labcorp Genetics (formerly Invitae), Labcorp
Classification: Likely benign for Alstrom syndrome. Last evaluated: 2026-01-26. Review status: criteria provided, single submitter. Criteria: Invitae Variant Classification Sherloc (09022015). Collection method: clinical testing. Allele origin: germline.

Blueprint Genetics
Classification: Likely benign. Last evaluated: 2024-11-04. Review status: criteria provided, single submitter. Criteria: ACMG Guidelines, 2015. Collection method: clinical testing. Allele origin: germline.

Women's Health and Genetics/Laboratory Corporation of America, LabCorp
Classification: Likely benign. Last evaluated: 2023-08-19. Review status: criteria provided, single submitter. Criteria: LabCorp Variant Classification Summary - May 2015. Collection method: clinical testing. Allele origin: germline.

CeGaT Center for Human Genetics Tuebingen
Classification: Likely benign. Last evaluated: 2022-07-01. Review status: criteria provided, single submitter. Criteria: CeGaT Center For Human Genetics Tuebingen Variant Classification Criteria Version 2. Collection method: clinical testing. Allele origin: germline. Affected: yes. Observed: 1 variant allele.
Comment: ALMS1: BP4, BP7

ARUP Laboratories, Molecular Genetics and Genomics, ARUP Laboratories
Classification: Likely benign for Alstrom syndrome. Last evaluated: 2022-03-08. Review status: criteria provided, single submitter. Criteria: ARUP Molecular Germline Variant Investigation Process 2021. Collection method: clinical testing. Allele origin: germline.

Fulgent Genetics
Classification: Likely benign for Alstrom syndrome. Last evaluated: 2021-11-24. Review status: criteria provided, single submitter. Criteria: ACMG Guidelines, 2015. Collection method: clinical testing. Allele origin: unknown.

GeneDx
Classification: Likely benign. Last evaluated: 2021-04-09. Review status: criteria provided, single submitter. Criteria: GeneDx Variant Classification Process June 2021. Collection method: clinical testing. Allele origin: germline. Affected: yes.

Ambry Genetics
Classification: Likely benign for Cardiovascular phenotype. Last evaluated: 2020-10-28. Review status: criteria provided, single submitter. Criteria: Ambry Variant Classification Scheme 2023. Collection method: clinical testing. Allele origin: germline.